The following is an entry in ClinVar:

ClinVar aggregate classification (germline): Uncertain significance (1 of 4 stars; one submission).

gnomAD v4.1: 5 of 1,609,498 alleles (0.00031%); highest among the groups gnomAD compares: Non-Finnish European, 0.00017%; no homozygotes.

Submission:

Women's Health and Genetics/Laboratory Corporation of America, LabCorp
Classification: Uncertain significance. Last evaluated: 2025-04-03. Review status: criteria provided, single submitter. Criteria: LabCorp Variant Classification Summary - May 2015. Collection method: clinical testing. Allele origin: germline.
Comment: Variant summary: PAX6 c.-12G>A is located in the untranslated mRNA region upstream of the initiation codon. The frequency data for this variant in gnomAD is considered unreliable, as metrics indicate poor data quality at this position. To our knowledge, no occurrence of c.-12G>A in individuals affected with PAX6-Related Disorders and no experimental evidence demonstrating its impact on protein function have been reported. No submitters have cited clinical-significance assessments for this variant to ClinVar. Based on the evidence outlined above, the variant was classified as uncertain significance.

NM_001368894.2(PAX6):c.-12G>A

Gene: PAX6 (paired box 6; minus strand). Cytogenetic location: 11p13.
Variant type: single nucleotide variant.
Coding change: c.-12G>A on transcript NM_001368894.2 (MANE Select); 12 bases upstream of the start codon, G replaced by A.
Molecular consequence: 5 prime UTR variant. On other transcripts: missense variant (1), non-coding transcript variant (2), intron variant (2).
Genome position (GRCh38, 1-based): chr11:31,806,423, C>T on the plus strand (G>A on the coding strand, the complement: PAX6 is on the minus strand). VCF-style: chr11-31806423-C-T. GRCh37 (hg19) VCF-style: chr11-31827971-C-T.
Other names: c.-12G>A (NM_000280.6, NM_001127612.3, NM_001258462.3 and 30 more transcripts); c.-289G>A (NM_001368904.2); c.-793G>A (NM_001368905.2); c.89G>A, p.Ser30Asn (NM_001368910.2); c.-268+4405G>A (NM_001368909.2); c.14-3589G>A (NM_001368911.2); short protein forms S30N.
Identifiers: ClinVar variation 3896500 (VCV003896500.2).